The following is an entry in ClinVar:

NM_022464.5(SIL1):c.767+104C>T

Gene: SIL1 (SIL1 nucleotide exchange factor; minus strand). Cytogenetic location: 5q31.2.
Variant type: single nucleotide variant.
Coding change: c.767+104C>T on transcript NM_022464.5 (MANE Select); 104 bases into the intron after coding-DNA position 767, C replaced by T.
Molecular consequence: intron variant.
Genome position (GRCh38, 1-based): chr5:139,021,067, G>A on the plus strand (C>T on the coding strand, the complement: SIL1 is on the minus strand). VCF-style: chr5-139021067-G-A. GRCh37 (hg19) VCF-style: chr5-138356756-G-A.
Other names: c.767+104C>T (NM_001037633.2).
Identifiers: ClinVar variation 670083 (VCV000670083.1), dbSNP rs10077896, ClinGen allele CA15409086.

ClinVar aggregate classification (germline): Benign (1 of 4 stars; one submission).

Allele frequency attached by ClinVar (database versions not stated): gnomAD exomes 0.36588; 1000 Genomes Project 0.37240; 1000 Genomes Project 30x 0.37726; gnomAD 0.41294 and 0.42019; TOPMed 0.41494.
gnomAD v4.1: 555,681 of 1,498,714 alleles (37%); highest among the groups gnomAD compares: African/African-American, 56%; 106,004 homozygotes.

Submission:

GeneDx
Classification: Benign. Last evaluated: 2018-06-14. Review status: criteria provided, single submitter. Criteria: GeneDx Variant Classification (06012015). Collection method: clinical testing. Allele origin: germline. Affected: yes.
Comment: This variant is considered likely benign or benign based on one or more of the following criteria: it is a conservative change, it occurs at a poorly conserved position in the protein, it is predicted to be benign by multiple in silico algorithms, and/or has population frequency not consistent with disease.